The following is an entry in ClinVar:

ClinVar aggregate classification (germline): Pathogenic (1 of 4 stars; one submission).

Conditions:
Hereditary cancer-predisposing syndrome. Also called: Neoplastic Syndromes, Hereditary; Tumor predisposition; Hereditary Cancer Syndrome; Hereditary neoplastic syndrome. Identifiers: Orphanet 140162, MedGen C0027672, MeSH D009386, MONDO:0015356.

Submission:

Ambry Genetics
Classification: Pathogenic for Hereditary cancer-predisposing syndrome. Last evaluated: 2021-04-26. Review status: criteria provided, single submitter. Criteria: Ambry Variant Classification Scheme 2023. Collection method: clinical testing. Allele origin: germline.
Comment: The p.E224* pathogenic mutation (also known as c.670G>T), located in coding exon 4 of the MSH6 gene, results from a G to T substitution at nucleotide position 670. This changes the amino acid from a glutamic acid to a stop codon within coding exon 4. This alteration is expected to result in loss of function by premature protein truncation or nonsense-mediated mRNA decay. As such, this alteration is interpreted as a disease-causing mutation.

NM_000179.3(MSH6):c.670G>T (p.Glu224Ter)

Gene: MSH6 (mutS homolog 6; plus strand). Cytogenetic location: 2p16.3.
Variant type: single nucleotide variant.
Coding change: c.670G>T on transcript NM_000179.3 (MANE Select); coding-DNA position 670, G replaced by T.
Protein change: p.Glu224Ter; replaces glutamic acid 224 with a stop codon.
Molecular consequence: nonsense. On other transcripts: 5 prime UTR variant (2).
Genome position (GRCh38, 1-based): chr2:47,798,653, G>T. VCF-style: chr2-47798653-G-T. GRCh37 (hg19) VCF-style: chr2-48025792-G-T.
Other names: c.280G>T, p.Glu94Ter (NM_001281492.2); c.-237G>T (NM_001281493.2, NM_001281494.2, NM_001406811.1 and 6 more transcripts); c.766G>T, p.Glu256Ter (NM_001406795.1, NM_001406802.1); c.670G>T, p.Glu224Ter (NM_001406796.1, NM_001406798.1, NM_001406800.1 and 4 more transcripts); c.373G>T, p.Glu125Ter (NM_001406797.1, NM_001406801.1, NM_001406805.1 and 10 more transcripts); c.145G>T, p.Glu49Ter (NM_001406799.1, NM_001406806.1, NM_001406807.1); c.592G>T, p.Glu198Ter (NM_001406804.1); c.676G>T, p.Glu226Ter (NM_001406813.1); and 1 more; short protein forms E226*, E168*, E224*, E49*, E125*, E198*, E256*, E94*.
Identifiers: ClinVar variation 1755044 (VCV001755044.2), dbSNP rs1060502933, ClinGen allele CA346739415.
Genomic context (GRCh38, chr2:47,798,653, plus strand): 5'-TCTTTCCTTGCCTGGCAGGTAGGCACAACTTACGTAACAGATAAGAGTGAAGAAGATAAT[G>T]AAATTGAGAGTGAAGAGGAAGTACAGCCTAAGACACAAGGATCTAGGCGAAGTAGCCGCC-3'